The following is an entry in ClinVar:

ClinVar aggregate classification (germline): Conflicting classifications of pathogenicity. Review status: criteria provided, conflicting classifications (1 of 4 stars). 7 submissions from 7 submitters: Pathogenic (3); Likely pathogenic (3); Uncertain significance (1). Last evaluated 2025-11-30.

Conditions:
Muscle eye brain disease (MEB). Also called: Santavuori congenital muscular dystrophy. Identifiers: Orphanet 588, Orphanet 899, MedGen C0457133, MONDO:0018939.
Muscular dystrophy-dystroglycanopathy. Also called: Congenital muscular dystrophy due to dystroglycanopathy. Identifiers: Orphanet 370953, MedGen C5679911, MONDO:0018276.
Muscular dystrophy-dystroglycanopathy (congenital with brain and eye anomalies), type A3. Also called: WALKER-WARBURG SYNDROME OR MUSCLE-EYE-BRAIN DISEASE, POMGNT1-RELATED; Congenital muscular dystrophy-dystroglycanopathy with brain and eye anomalies, type A3; Muscular dystrophy-dystroglycanopathy (congenital with brain and eye anomalies), type A, 3. Identifiers: MedGen C3151519, MONDO:0009667, OMIM 253280.
Autosomal recessive limb-girdle muscular dystrophy type 2O. Also called: Limb-Girdle Muscular Dystrophy Type 3C; MUSCULAR DYSTROPHY-DYSTROGLYCANOPATHY (LIMB-GIRDLE), TYPE C, 3; MUSCULAR DYSTROPHY-DYSTROGLYCANOPATHY, LIMB-GIRDLE, POMGNT1-RELATED. Identifiers: Orphanet 206564, MedGen C3150417, MONDO:0013161, OMIM 613157.
Retinitis pigmentosa 76 (RP76). Identifiers: MedGen C4310704, MONDO:0014929, OMIM 617123.
Muscular dystrophy-dystroglycanopathy (congenital with impaired intellectual development), type B, 3. Also called: MUSCULAR DYSTROPHY, CONGENITAL, POMGNT1-RELATED; Muscular dystrophy-dystroglycanopathy (congenital with intellectual disability), type B3. Identifiers: MedGen C3150412, MONDO:0013155, OMIM 613151.
Retinal dystrophy. Also called: Inherited retinal dystrophy. Identifiers: Orphanet 71862, MedGen C0854723, MeSH D058499, MONDO:0019118, HP:0000556.

Allele frequency attached by ClinVar (database versions not stated): gnomAD 0.00001; ExAC 0.00002; gnomAD exomes 0.00002; TOPMed 0.00002.
gnomAD v4.1: 6 of 1,613,926 alleles (0.00037%); highest among the groups gnomAD compares: Admixed American, 0.0033%; no homozygotes.

Submissions (7):

Natera, Inc.
Classification: Likely pathogenic for Muscle-eye-brain disease. Last evaluated: 2025-11-30. Review status: criteria provided, single submitter. Criteria: Natera Variant Classification Schema (03/2026). Collection method: clinical testing. Allele origin: germline.
Comment: The c.1489C>T variant in POMGNT1 is a nonsense variant predicted to introduce a stop codon at amino acid 497. This variant is expected to result in nonsense mediated decay, truncation, or a dysfunctional protein product. This variant is rare in the general population with a frequency below the threshold expected for the associated phenotype(s). Given the available evidence, this variant is classified as Likely Pathogenic.

Labcorp Genetics (formerly Invitae), Labcorp
Classification: Pathogenic for Autosomal recessive limb-girdle muscular dystrophy type 2O; Muscular dystrophy-dystroglycanopathy (congenital with impaired intellectual development), type B, 3. Last evaluated: 2025-11-19. Review status: criteria provided, single submitter. Criteria: Invitae Variant Classification Sherloc (09022015). Collection method: clinical testing. Allele origin: germline.
Comment: This sequence change creates a premature translational stop signal (p.Arg497*) in the POMGNT1 gene. It is expected to result in an absent or disrupted protein product. Loss-of-function variants in POMGNT1 are known to be pathogenic (PMID: 19299310, 20816175, 21447391, 26908613, 27391550). This variant is present in population databases (rs745343484, gnomAD 0.005%). This variant has not been reported in the literature in individuals affected with POMGNT1-related conditions. ClinVar contains an entry for this variant (Variation ID: 1341631). For these reasons, this variant has been classified as Pathogenic.

Fulgent Genetics
Classification: Likely pathogenic for Muscular dystrophy-dystroglycanopathy (congenital with brain and eye anomalies), type A3; Muscular dystrophy-dystroglycanopathy (congenital with impaired intellectual development), type B, 3; Autosomal recessive limb-girdle muscular dystrophy type 2O; Retinitis pigmentosa 76. Last evaluated: 2024-03-25. Review status: criteria provided, single submitter. Criteria: ACMG Guidelines, 2015. Collection method: clinical testing. Allele origin: germline.

Baylor Genetics
Classification: Pathogenic for Muscular dystrophy-dystroglycanopathy (congenital with brain and eye anomalies), type A3. Last evaluated: 2024-03-12. Review status: criteria provided, single submitter. Criteria: ACMG Guidelines, 2015. Collection method: clinical testing. Allele origin: unknown.

Dept Of Ophthalmology, Nagoya University
Classification: Uncertain significance for Retinal dystrophy. Last evaluated: 2023-10-01. Review status: criteria provided, single submitter. Criteria: Submitter's publication. Collection method: research. Allele origin: germline. Affected: yes.

Broad Center for Mendelian Genomics, Broad Institute of MIT and Harvard
Classification: Likely pathogenic for Muscular dystrophy-dystroglycanopathy. Last evaluated: 2023-01-24. Review status: criteria provided, single submitter. Criteria: ACMG Guidelines, 2015. Collection method: curation. Allele origin: germline. Inheritance: Autosomal recessive inheritance.
Comment: The p.Arg497Ter variant in POMGNT1 has not been previously reported in the literature in individuals with POMGNT1-associated muscular dystrophy-dystroglycanopathy, but has been identified in 0.005% (1/19950) of East Asian chromosomes by the Genome Aggregation Database (gnomAD; dbSNP ID: rs745343484). Although this variant has been seen in the general population in a heterozygous state, its frequency is low enough to be consistent with a recessive carrier frequency. This variant has also been reported in ClinVar (Variation ID#:1341631) and has been interpreted as likely pathogenic by GeneDx and pathogenic by Invitae. This nonsense variant leads to a premature termination codon at position 497, which is predicted to lead to a truncated or absent protein. Loss of function of the POMGNT1 gene is an established disease mechanism in autosomal recessive POMGNT1-associated muscular dystrophy-dystroglycanopathy. In summary, although additional studies are required to fully establish its clinical significance, this variant is likely pathogenic for POMGNT1-associated muscular dystrophy-dystroglycanopathy. ACMG/AMP Criteria applied: PVS1, PM2 (Richards 2015).

GeneDx
Classification: Pathogenic. Last evaluated: 2022-08-20. Review status: criteria provided, single submitter. Criteria: GeneDx Variant Classification Process June 2021. Collection method: clinical testing. Allele origin: germline. Affected: yes.
Comment: Nonsense variant predicted to result in protein truncation or nonsense mediated decay in a gene for which loss-of-function is a known mechanism of disease; Not observed at significant frequency in large population cohorts (gnomAD); This variant is associated with the following publications: (PMID: 31213501)

Literature cited by the submitters: PubMed 19299310 (cited by Labcorp Genetics (formerly Invitae), Labcorp); PubMed 20816175 (cited by Labcorp Genetics (formerly Invitae), Labcorp); PubMed 21447391 (cited by Labcorp Genetics (formerly Invitae), Labcorp); PubMed 26908613 (cited by Labcorp Genetics (formerly Invitae), Labcorp); PubMed 27391550 (cited by Labcorp Genetics (formerly Invitae), Labcorp).

NM_017739.4(POMGNT1):c.1489C>T (p.Arg497Ter)

Genes: POMGNT1 (protein O-linked mannose N-acetylglucosaminyltransferase 1 (beta 1,2-); minus strand), TSPAN1 (tetraspanin 1; plus strand). Cytogenetic location: 1p34.1.
Variant type: single nucleotide variant.
Coding change: c.1489C>T on transcript NM_017739.4 (MANE Select); coding-DNA position 1489, C replaced by T.
Protein change: p.Arg497Ter; replaces arginine 497 with a stop codon.
Molecular consequence: nonsense.
Genome position (GRCh38, 1-based): chr1:46,192,148, G>A on the plus strand (C>T on the coding strand, the complement: POMGNT1 is on the minus strand). VCF-style: chr1-46192148-G-A. GRCh37 (hg19) VCF-style: chr1-46657820-G-A.
Other names: NM_017739.4(POMGNT1):c.1489C>T; p.Arg497Ter; c.1489C>T, p.Arg497Ter (NM_001243766.2, NM_001410783.1); c.1423C>T, p.Arg475Ter (NM_001290129.3); c.1060C>T, p.Arg354Ter (NM_001290130.2); short protein forms R354*, R475*, R497*.
Identifiers: ClinVar variation 1341631 (VCV001341631.13), dbSNP rs745343484, ClinGen allele CA833352.